The following is an entry in ClinVar:

NM_003896.4(ST3GAL5):c.1247G>T (p.Arg416Leu)

Gene: ST3GAL5 (ST3 beta-galactoside alpha-2,3-sialyltransferase 5; minus strand). Cytogenetic location: 2p11.2.
Variant type: single nucleotide variant.
Coding change: c.1247G>T on transcript NM_003896.4 (MANE Select); coding-DNA position 1247, G replaced by T.
Protein change: p.Arg416Leu; replaces arginine 416 with leucine.
Molecular consequence: missense variant.
Genome position (GRCh38, 1-based): chr2:85,840,154, C>A on the plus strand (G>T on the coding strand, the complement: ST3GAL5 is on the minus strand). VCF-style: chr2-85840154-C-A. GRCh37 (hg19) VCF-style: chr2-86067277-C-A.
Other names: c.1178G>T, p.Arg393Leu (NM_001042437.2); c.863G>T, p.Arg288Leu (NM_001354223.2, NM_001354224.2, NM_001354226.2 and 3 more transcripts); c.1163G>T, p.Arg388Leu (NM_001354227.2, NM_001354229.2, NM_001354238.1); c.524G>T, p.Arg175Leu (NM_001354247.1); c.1088G>T, p.Arg363Leu (NM_001363847.1); short protein forms R416L, R175L, R388L, R288L, R363L, R393L.
Identifiers: ClinVar variation 198500 (VCV000198500.26), dbSNP rs200683924, ClinGen allele CA209195.
Genomic context (GRCh38, chr2:85,840,154, plus strand): 5'-AAAACAGCTCTCAGAGTTAGAGTTGCATTTTCAACTGAGGTTTTCTGTGTTCAAAATTCA[C>A]GATCAATGCCTCCACTGAGATCTTTCACCACTCCCTCTTTGACCAGCTTTAAGAGGAACT-3'
Protein context (NP_003887.3, residues 406-418): VVKDLSGGID[Arg416Leu]EF

ClinVar aggregate classification (germline): Conflicting classifications of pathogenicity. Review status: criteria provided, conflicting classifications (1 of 4 stars). 9 submissions from 9 submitters: Uncertain significance (8); Likely benign (1). Last evaluated 2025-12-15.

Conditions:
Inborn genetic diseases. Identifiers: MedGen C0950123, MeSH D030342.
GM3 synthase deficiency (SPDRS). Also called: SALT AND PEPPER DEVELOPMENTAL REGRESSION SYNDROME; AMISH INFANTILE EPILEPSY SYNDROME; SALT AND PEPPER MENTAL RETARDATION SYNDROME. Identifiers: Orphanet 171714, Orphanet 370933, MedGen C1836824, MONDO:0018274, OMIM 609056.

Allele frequency attached by ClinVar (database versions not stated): gnomAD 0.00024 and 0.00028; ESP Exome Variant Server 0.00031; TOPMed 0.00038.
gnomAD v4.1: 958 of 1,614,058 alleles (0.059%); highest among the groups gnomAD compares: Non-Finnish European, 0.078%; 1 homozygote.

Submissions (9):

Labcorp Genetics (formerly Invitae), Labcorp
Classification: Likely benign for GM3 synthase deficiency. Last evaluated: 2025-12-15. Review status: criteria provided, single submitter. Criteria: Invitae Variant Classification Sherloc (09022015). Collection method: clinical testing. Allele origin: germline.

Ambry Genetics
Classification: Uncertain significance for Inborn genetic diseases. Last evaluated: 2022-12-14. Review status: criteria provided, single submitter. Criteria: Ambry Variant Classification Scheme 2023. Collection method: clinical testing. Allele origin: germline.

Fulgent Genetics
Classification: Uncertain significance for GM3 synthase deficiency. Last evaluated: 2022-05-20. Review status: criteria provided, single submitter. Criteria: ACMG Guidelines, 2015. Collection method: clinical testing. Allele origin: unknown.

GeneDx
Classification: Uncertain significance. Last evaluated: 2019-07-29. Review status: criteria provided, single submitter. Criteria: GeneDx Variant Classification Process June 2021. Collection method: clinical testing. Allele origin: germline. Affected: yes.
Comment: In silico analysis, which includes protein predictors and evolutionary conservation, supports that this variant does not alter protein structure/function; Has not been previously published as pathogenic or benign to our knowledge

Baylor Genetics
Classification: Uncertain significance for GM3 synthase deficiency. Last evaluated: 2019-03-04. Review status: criteria provided, single submitter. Criteria: ACMG Guidelines, 2015. Collection method: clinical testing. Allele origin: paternal. Affected: yes.
Comment: This variant was determined to be of uncertain significance according to ACMG Guidelines, 2015 [PMID:25741868].

Athena Diagnostics
Classification: Uncertain significance. Last evaluated: 2018-03-14. Review status: criteria provided, single submitter. Criteria: Athena Diagnostics Criteria. Collection method: clinical testing. Allele origin: germline.

Illumina Laboratory Services, Illumina
Classification: Uncertain significance for GM3 synthase deficiency. Last evaluated: 2018-01-12. Review status: criteria provided, single submitter. Criteria: ICSL Variant Classification Criteria 13 December 2019. Collection method: clinical testing. Allele origin: germline.

Eurofins Ntd Llc (ga)
Classification: Uncertain significance. Last evaluated: 2015-02-03. Review status: criteria provided, single submitter. Criteria: EGL Classification Definitions 2015. Collection method: clinical testing. Allele origin: germline. Observed: 1 variant allele, 1 heterozygote.

Genetic Services Laboratory, University of Chicago
Classification: Uncertain significance. Last evaluated: 2014-11-06. Review status: criteria provided, single submitter. Criteria: ACMG Guidelines, 2015. Collection method: clinical testing. Allele origin: germline.